The following is an entry in ClinVar:

ClinVar aggregate classification (germline): Uncertain significance (1 of 4 stars; one submission).

Allele frequency attached by ClinVar (database versions not stated): TOPMed below 0.00001; gnomAD exomes 0.00001 and 0.00004.
gnomAD v4.1: 46 of 1,301,980 alleles (0.0035%); highest among the groups gnomAD compares: Non-Finnish European, 0.0047%; no homozygotes.

Submission:

Labcorp Genetics (formerly Invitae), Labcorp
Classification: Uncertain significance. Last evaluated: 2021-09-01. Review status: criteria provided, single submitter. Criteria: Invitae Variant Classification Sherloc (09022015). Collection method: clinical testing. Allele origin: germline.
Comment: This sequence change replaces serine with isoleucine at codon 261 of the IFT81 protein (p.Ser261Ile). The serine residue is highly conserved and there is a large physicochemical difference between serine and isoleucine. The frequency data for this variant in the population databases is considered unreliable, as metrics indicate insufficient coverage at this position in the ExAC database. This variant has not been reported in the literature in individuals affected with IFT81-related conditions. Algorithms developed to predict the effect of missense changes on protein structure and function are either unavailable or do not agree on the potential impact of this missense change (SIFT: "Deleterious"; PolyPhen-2: "Benign"; Align-GVGD: "Class C15"). Algorithms developed to predict the effect of sequence changes on RNA splicing suggest that this variant may disrupt the consensus splice site. In summary, the available evidence is currently insufficient to determine the role of this variant in disease. Therefore, it has been classified as a Variant of Uncertain Significance.

NM_014055.4(IFT81):c.782G>T (p.Ser261Ile)

Gene: IFT81 (intraflagellar transport 81; plus strand). Cytogenetic location: 12q24.11.
Variant type: single nucleotide variant.
Coding change: c.782G>T on transcript NM_014055.4 (MANE Select); coding-DNA position 782, G replaced by T.
Protein change: p.Ser261Ile; replaces serine 261 with isoleucine.
Molecular consequence: missense variant. On other transcripts: non-coding transcript variant (3), intron variant (2).
Genome position (GRCh38, 1-based): chr12:110,143,382, G>T. VCF-style: chr12-110143382-G-T. GRCh37 (hg19) VCF-style: chr12-110581187-G-T.
Other names: c.782G>T, p.Ser261Ile (NM_001143779.2, NM_001347946.2, NM_031473.4); c.16-3571G>T (NM_001347948.2, NM_001347947.2); short protein forms S261I.
Identifiers: ClinVar variation 1055085 (VCV001055085.6), dbSNP rs1241667410, ClinGen allele CA386910843.